The following is an entry in ClinVar:

NM_001164508.2(NEB):c.7581C>T (p.Tyr2527=)

Gene: NEB (nebulin; minus strand). Cytogenetic location: 2q23.3.
Variant type: single nucleotide variant.
Coding change: c.7581C>T on transcript NM_001164508.2 (MANE Select); coding-DNA position 7581, C replaced by T.
Protein change: p.Tyr2527=; no amino-acid change (tyrosine 2527 retained).
Molecular consequence: synonymous variant.
Genome position (GRCh38, 1-based): chr2:151,644,531, G>A on the plus strand (C>T on the coding strand, the complement: NEB is on the minus strand). VCF-style: chr2-151644531-G-A. GRCh37 (hg19) VCF-style: chr2-152501045-G-A.
Other names: c.7581C>T, p.Tyr2527= (NM_001164507.2, NM_001271208.2, NM_004543.5).
Identifiers: ClinVar variation 257830 (VCV000257830.65), dbSNP rs200425929, ClinGen allele CA1909807.

ClinVar aggregate classification (germline): Conflicting classifications of pathogenicity. Review status: criteria provided, conflicting classifications (1 of 4 stars). 10 submissions from 10 submitters: Uncertain significance (1); Benign (1); Likely benign (4). 4 of the submissions do not count toward it. Last evaluated 2026-02-01.

Conditions:
Nemaline myopathy 2 (NEM2). Also called: Nemaline myopathy 2, autosomal recessive. Identifiers: MedGen C1850569, MONDO:0009725, OMIM 256030.

Allele frequency attached by ClinVar (database versions not stated): ESP Exome Variant Server 0.00051; gnomAD exomes 0.00057 and 0.00099; ExAC 0.00065; TOPMed 0.00068; gnomAD 0.00070 and 0.00075.
gnomAD v4.1: 1,526 of 1,613,890 alleles (0.095%); highest among the groups gnomAD compares: Non-Finnish European, 0.12%; 1 homozygote.

Submissions (10):

Labcorp Genetics (formerly Invitae), Labcorp
Classification: Benign for Nemaline myopathy 2. Last evaluated: 2026-02-01. Review status: criteria provided, single submitter. Criteria: Invitae Variant Classification Sherloc (09022015). Collection method: clinical testing. Allele origin: germline.

CeGaT Center for Human Genetics Tuebingen
Classification: Likely benign. Last evaluated: 2025-06-01. Review status: criteria provided, single submitter. Criteria: CeGaT Center For Human Genetics Tuebingen Variant Classification Criteria Version 2. Collection method: clinical testing. Allele origin: germline. Affected: yes. Observed: 9 variant alleles.
Comment: NEB: BP4, BP7

Blueprint Genetics
Classification: Likely benign. Last evaluated: 2024-10-29. Review status: criteria provided, single submitter. Criteria: ACMG Guidelines, 2015. Collection method: clinical testing. Allele origin: germline.

GeneDx
Classification: Likely benign. Last evaluated: 2020-08-06. Review status: criteria provided, single submitter. Criteria: GeneDx Variant Classification Process June 2021. Collection method: clinical testing. Allele origin: germline. Affected: yes.

Illumina Laboratory Services, Illumina
Classification: Uncertain significance for Nemaline myopathy 2. Last evaluated: 2018-01-12. Review status: criteria provided, single submitter. Criteria: ICSL Variant Classification Criteria 13 December 2019. Collection method: clinical testing. Allele origin: germline.

PreventionGenetics, part of Exact Sciences
Classification: Likely benign. Review status: criteria provided, single submitter. Criteria: ACMG Guidelines, 2015. Collection method: clinical testing. Allele origin: germline.

Natera, Inc.
Classification: Likely benign for Nemaline myopathy type 2. Last evaluated: 2019-12-12. Review status: no assertion criteria provided. Collection method: clinical testing. Allele origin: germline. Not counted in ClinVar's aggregate classification.

Clinical Genetics DNA and cytogenetics Diagnostics Lab, Erasmus MC, Erasmus Medical Center
Classification: Benign. Review status: no assertion criteria provided. Collection method: clinical testing. Allele origin: germline. Affected: yes. Study: VKGL Data-share Consensus. Not counted in ClinVar's aggregate classification.

Genome Diagnostics Laboratory, University Medical Center Utrecht
Classification: Likely benign. Review status: no assertion criteria provided. Collection method: clinical testing. Allele origin: germline. Affected: yes. Study: VKGL Data-share Consensus. Not counted in ClinVar's aggregate classification.

Laboratory of Diagnostic Genome Analysis, Leiden University Medical Center (LUMC)
Classification: Likely benign. Review status: no assertion criteria provided. Collection method: clinical testing. Allele origin: germline. Affected: yes. Study: VKGL Data-share Consensus. Not counted in ClinVar's aggregate classification.